The following is an entry in ClinVar:

NM_001457.4(FLNB):c.410A>G (p.Lys137Arg)

Gene: FLNB (filamin B; plus strand). Cytogenetic location: 3p14.3.
Variant type: single nucleotide variant.
Coding change: c.410A>G on transcript NM_001457.4 (MANE Select); coding-DNA position 410, A replaced by G.
Protein change: p.Lys137Arg; replaces lysine 137 with arginine.
Molecular consequence: missense variant.
Genome position (GRCh38, 1-based): chr3:58,077,163, A>G. VCF-style: chr3-58077163-A-G. GRCh37 (hg19) VCF-style: chr3-58062890-A-G.
Other names: c.410A>G, p.Lys137Arg (NM_001164317.2, NM_001164318.2, NM_001164319.2); short protein forms K137R.
Identifiers: ClinVar variation 2788825 (VCV002788825.3), dbSNP rs2470990727, ClinGen allele CA353333362.

ClinVar aggregate classification (germline): Uncertain significance (1 of 4 stars; one submission).

Allele frequency attached by ClinVar (database versions not stated): gnomAD exomes below 0.00001.
gnomAD v4.1: 5 of 1,614,174 alleles (0.00031%); highest among the groups gnomAD compares: Non-Finnish European, 0.00042%; no homozygotes.

Submission:

Labcorp Genetics (formerly Invitae), Labcorp
Classification: Uncertain significance. Last evaluated: 2025-01-29. Review status: criteria provided, single submitter. Criteria: Invitae Variant Classification Sherloc (09022015). Collection method: clinical testing. Allele origin: germline.
Comment: This sequence change replaces lysine, which is basic and polar, with arginine, which is basic and polar, at codon 137 of the FLNB protein (p.Lys137Arg). This variant is not present in population databases (gnomAD no frequency). This variant has not been reported in the literature in individuals affected with FLNB-related conditions. ClinVar contains an entry for this variant (Variation ID: 2788825). Invitae Evidence Modeling of protein sequence and biophysical properties (such as structural, functional, and spatial information, amino acid conservation, physicochemical variation, residue mobility, and thermodynamic stability) indicates that this missense variant is not expected to disrupt FLNB protein function with a negative predictive value of 95%. In summary, the available evidence is currently insufficient to determine the role of this variant in disease. Therefore, it has been classified as a Variant of Uncertain Significance.